The following is an entry in ClinVar:

ClinVar aggregate classification (germline): Uncertain significance (1 of 4 stars; one submission).

Conditions:
Hereditary nonpolyposis colorectal neoplasms. Identifiers: MedGen C0009405, MeSH D003123.

Submission:

Labcorp Genetics (formerly Invitae), Labcorp
Classification: Uncertain significance for Hereditary nonpolyposis colorectal neoplasms. Last evaluated: 2017-01-30. Review status: criteria provided, single submitter. Criteria: Invitae Variant Classification Sherloc (09022015). Collection method: clinical testing. Allele origin: germline.
Comment: This sequence change deletes 9 nucleotides from exon 4 of the MSH6 mRNA (c.639_647delTTACGTAAC). This leads to the deletion of 3 amino acid residues in the MSH6 protein (p.Tyr214_Thr216del) but otherwise preserves the integrity of the reading frame. This variant is not present in population databases (ExAC no frequency) and has not been reported in the literature in individuals with an MSH6-related disease. Experimental studies and prediction algorithms are not available for this variant, and the functional significance of the deleted amino acids is currently unknown. In summary, this is a novel in-frame deletion with uncertain impact on protein function. It has been classified as a Variant of Uncertain Significance.

NM_000179.3(MSH6):c.639_647del (p.Tyr214_Thr216del)

Gene: MSH6 (mutS homolog 6; plus strand). Cytogenetic location: 2p16.3.
Variant type: Deletion.
Coding change: c.639_647del on transcript NM_000179.3 (MANE Select); coding-DNA positions 639 to 647, 9 bases deleted (TTACGTAAC; older notation c.639_647delTTACGTAAC).
Protein change: p.Tyr214_Thr216del.
Molecular consequence: inframe deletion. On other transcripts: 5 prime UTR variant (2).
Genome position (GRCh38, 1-based): chr2:47,798,622-47,798,630, TTACGTAAC deleted; deleting any 9 consecutive bases within chr2:47,798,619-47,798,630 gives the same sequence; the c. name uses the placement nearest the transcript's 3' end. VCF-style (leftmost placement, unchanged base first): chr2-47798618-CAACTTACGT-C. GRCh37 (hg19) VCF-style: chr2-48025757-CAACTTACGT-C.
Other names: c.639_647delTTACGTAAC (NM_000179.2); c.249_257del, p.Tyr84_Thr86del (NM_001281492.2); c.-268_-260del (NM_001281493.2, NM_001281494.2).
Identifiers: ClinVar variation 455337 (VCV000455337.9), dbSNP rs1553412048, ClinGen allele CA658655705.